The following is an entry in ClinVar:

NM_194248.3(OTOF):c.2983T>C (p.Cys995Arg)

Gene: OTOF (otoferlin; minus strand). Cytogenetic location: 2p23.3.
Variant type: single nucleotide variant.
Coding change: c.2983T>C on transcript NM_194248.3 (MANE Select); coding-DNA position 2983, T replaced by C.
Protein change: p.Cys995Arg; replaces cysteine 995 with arginine.
Molecular consequence: missense variant.
Genome position (GRCh38, 1-based): chr2:26,475,922, A>G on the plus strand (T>C on the coding strand, the complement: OTOF is on the minus strand). VCF-style: chr2-26475922-A-G. GRCh37 (hg19) VCF-style: chr2-26698790-A-G.
Other names: c.2983T>C, p.Cys995Arg (NM_001287489.2); c.742T>C, p.Cys248Arg (NM_004802.4, NM_194323.3); c.913T>C, p.Cys305Arg (NM_194322.3); short protein forms C248R, C305R, C995R.
Identifiers: ClinVar variation 1064942 (VCV001064942.3), dbSNP rs1265540448, ClinGen allele CA346112418.

ClinVar aggregate classification (germline): Uncertain significance (1 of 4 stars; one submission).

Conditions:
Pendred syndrome (PDS). Also called: Pendred's syndrome; Pendred Syndrome (PDS); DEAFNESS WITH GOITER; GOITER-DEAFNESS SYNDROME; HYPOTHYROIDISM, CONGENITAL, DUE TO DYSHORMONOGENESIS, 2B; THYROID DYSHORMONOGENESIS 2B. Identifiers: Orphanet 705, MedGen C0271829, MONDO:0010134, OMIM 274600.

Submission:

Department of Otolaryngology – Head & Neck Surgery, Cochlear Implant Center
Classification: Uncertain significance for Pendred syndrome. Last evaluated: 2021-04-12. Review status: criteria provided, single submitter. Criteria: ClinGen HL ACMG Specifications v1. Collection method: clinical testing. Allele origin: germline. Affected: yes.
Comment: PM2_Moderate, PP3_Supporting, BP5_Supporting